The following is an entry in ClinVar:

NM_001039.4(SCNN1G):c.1018G>T (p.Val340Phe)

Gene: SCNN1G (sodium channel epithelial 1 subunit gamma; plus strand). Cytogenetic location: 16p12.2.
Variant type: single nucleotide variant.
Coding change: c.1018G>T on transcript NM_001039.4 (MANE Select); coding-DNA position 1018, G replaced by T.
Protein change: p.Val340Phe; replaces valine 340 with phenylalanine.
Molecular consequence: missense variant.
Genome position (GRCh38, 1-based): chr16:23,197,368, G>T. VCF-style: chr16-23197368-G-T. GRCh37 (hg19) VCF-style: chr16-23208689-G-T.
Other names: short protein forms V340F.
Identifiers: ClinVar variation 1949290 (VCV001949290.5), dbSNP rs774394259, ClinGen allele CA395096815.
Genomic context (GRCh38, chr16:23,197,368, plus strand): 5'-TTCCTCGTGTCCTCCACTGGAGCTAAGGTGATCATCCATCGGCAGGATGAGTATCCCTTC[G>T]TCGAAGATGTGGGAACAGAGATTGAGACAGCAATGGTCACCTCTATAGGAATGCACCTGG-3'
Protein context (NP_001030.2, residues 330-350): IIHRQDEYPF[Val340Phe]EDVGTEIETA

ClinVar aggregate classification (germline): Uncertain significance (1 of 4 stars; one submission).

gnomAD v4.1: 6 of 1,613,922 alleles (0.00037%); highest among the groups gnomAD compares: Admixed American, 0.0067%; no homozygotes.

Submission:

Labcorp Genetics (formerly Invitae), Labcorp
Classification: Uncertain significance. Last evaluated: 2022-06-01. Review status: criteria provided, single submitter. Criteria: Invitae Variant Classification Sherloc (09022015). Collection method: clinical testing. Allele origin: germline.
Comment: This sequence change replaces valine, which is neutral and non-polar, with phenylalanine, which is neutral and non-polar, at codon 340 of the SCNN1G protein (p.Val340Phe). In summary, the available evidence is currently insufficient to determine the role of this variant in disease. Therefore, it has been classified as a Variant of Uncertain Significance. Algorithms developed to predict the effect of missense changes on protein structure and function are either unavailable or do not agree on the potential impact of this missense change (SIFT: "Tolerated"; PolyPhen-2: "Possibly Damaging"; Align-GVGD: "Class C0"). This variant has not been reported in the literature in individuals affected with SCNN1G-related conditions. This variant is present in population databases (no rsID available, gnomAD 0.009%).